The following is an entry in ClinVar:

ClinVar aggregate classification (germline): Uncertain significance (1 of 4 stars; one submission).

Conditions:
Primary ciliary dyskinesia. Also called: Ciliary dyskinesia. Identifiers: Orphanet 244, MedGen C0008780, MONDO:0016575, HP:0012265.

Submission:

Labcorp Genetics (formerly Invitae), Labcorp
Classification: Uncertain significance for Primary ciliary dyskinesia. Last evaluated: 2019-12-05. Review status: criteria provided, single submitter. Criteria: Invitae Variant Classification Sherloc (09022015). Collection method: clinical testing. Allele origin: germline.
Comment: In summary, the available evidence is currently insufficient to determine the role of this variant in disease. Therefore, it has been classified as a Variant of Uncertain Significance. Nucleotide substitutions within the consensus splice site are a relatively common cause of aberrant splicing (PMID: 17576681, 9536098). Algorithms developed to predict the effect of sequence changes on RNA splicing suggest that this variant is not likely to affect RNA splicing, but this prediction has not been confirmed by published transcriptional studies. This variant has not been reported in the literature in individuals with DNAH11-related conditions. This variant is not present in population databases (ExAC no frequency). This sequence change falls in intron 15 of the DNAH11 gene. It does not directly change the encoded amino acid sequence of the DNAH11 protein, but it affects a nucleotide within the consensus splice site of the intron.

Literature cited by the submitters: PubMed 17576681; PubMed 9536098.

NM_001277115.2(DNAH11):c.3000+4T>C

Genes: DNAH11 (dynein axonemal heavy chain 11; plus strand), LOC126859961 (BRD4-independent group 4 enhancer GRCh37_chr7:21639662-21640861; plus strand). Cytogenetic location: 7p15.3.
Variant type: single nucleotide variant.
Coding change: c.3000+4T>C on transcript NM_001277115.2 (MANE Select); 4 bases into the intron after coding-DNA position 3000, T replaced by C.
Molecular consequence: intron variant.
Genome position (GRCh38, 1-based): chr7:21,600,123, T>C. VCF-style: chr7-21600123-T-C. GRCh37 (hg19) VCF-style: chr7-21639741-T-C.
Identifiers: ClinVar variation 858733 (VCV000858733.9), dbSNP rs1785020067, ClinGen allele CA916082914.